The following is an entry in ClinVar:

ClinVar aggregate classification (germline): Uncertain significance. Review status: criteria provided, multiple submitters, no conflicts (2 of 4 stars). 2 submissions from 2 submitters: Uncertain significance (2). Last evaluated 2025-10-22.

Conditions:
Desmin-related myofibrillar myopathy (MFM1). Also called: Desmin related myopathy (former name); Desmin storage myopathy (former name); Desminopathy; MYOFIBRILLAR MYOPATHY WITH ARRHYTHMOGENIC RIGHT VENTRICULAR CARDIOMYOPATHY; DESMIN-RELATED MYOPATHY WITH ARRHYTHMOGENIC RIGHT VENTRICULAR CARDIOMYOPATHY; Myofibrillar myopathy 1. Identifiers: Orphanet 363543, Orphanet 98909, MedGen C1832370, MONDO:0011076, OMIM 601419.

Allele frequency attached by ClinVar (database versions not stated): gnomAD exomes below 0.00001; TOPMed below 0.00001.
gnomAD v4.1: 1 of 1,555,532 alleles (0.000064%); highest among the groups gnomAD compares: Middle Eastern, 0.017%; no homozygotes.

Submissions (2):

Labcorp Genetics (formerly Invitae), Labcorp
Classification: Uncertain significance for Desmin-related myofibrillar myopathy. Last evaluated: 2025-10-22. Review status: criteria provided, single submitter. Criteria: Invitae Variant Classification Sherloc (09022015). Collection method: clinical testing. Allele origin: germline.
Comment: This sequence change replaces glutamic acid, which is acidic and polar, with glutamine, which is neutral and polar, at codon 167 of the DES protein (p.Glu167Gln). This variant is not present in population databases (gnomAD no frequency). This variant has not been reported in the literature in individuals affected with DES-related conditions. ClinVar contains an entry for this variant (Variation ID: 3068979). Invitae Evidence Modeling of protein sequence and biophysical properties (such as structural, functional, and spatial information, amino acid conservation, physicochemical variation, residue mobility, and thermodynamic stability) has been performed for this missense variant. However, the output from this modeling did not meet the statistical confidence thresholds required to predict the impact of this variant on DES protein function. In summary, the available evidence is currently insufficient to determine the role of this variant in disease. Therefore, it has been classified as a Variant of Uncertain Significance.

Women's Health and Genetics/Laboratory Corporation of America, LabCorp
Classification: Uncertain significance. Last evaluated: 2024-02-19. Review status: criteria provided, single submitter. Criteria: LabCorp Variant Classification Summary - May 2015. Collection method: clinical testing. Allele origin: germline.
Comment: Variant summary: DES c.499G>C (p.Glu167Gln) results in a conservative amino acid change located in the Intermediate filament, rod domain (IPR039008) of the encoded protein sequence. Four of five in-silico tools predict a damaging effect of the variant on protein function. The frequency data for this variant in gnomAD is considered unreliable, as metrics indicate poor data quality at this position. To our knowledge, no occurrence of c.499G>C in individuals affected with Cardiomyopathy and no experimental evidence demonstrating its impact on protein function have been reported. No submitters have cited clinical-significance assessments for this variant to ClinVar. Based on the evidence outlined above, the variant was classified as uncertain significance.

NM_001927.4(DES):c.499G>C (p.Glu167Gln)

Gene: DES (desmin; plus strand). Cytogenetic location: 2q35.
Variant type: single nucleotide variant.
Coding change: c.499G>C on transcript NM_001927.4 (MANE Select); coding-DNA position 499, G replaced by C.
Protein change: p.Glu167Gln; replaces glutamic acid 167 with glutamine.
Molecular consequence: missense variant. On other transcripts: intron variant (1).
Genome position (GRCh38, 1-based): chr2:219,418,961, G>C. VCF-style: chr2-219418961-G-C. GRCh37 (hg19) VCF-style: chr2-220283683-G-C.
Other names: c.499G>C, p.Glu167Gln (NM_001382708.1, NM_001382709.1, NM_001382710.1 and 2 more transcripts); c.495+4G>C (NM_001382713.1); short protein forms E167Q.
Identifiers: ClinVar variation 3068979 (VCV003068979.3), dbSNP rs1954379289, ClinGen allele CA350686685.